The following is an entry in ClinVar:

NM_000135.4(FANCA):c.68C>A (p.Ala23Asp)

Genes: FANCA (FA complementation group A; minus strand), LOC112486223 (Sharpr-MPRA regulatory region 3988; plus strand). Cytogenetic location: 16q24.3.
Variant type: single nucleotide variant.
Coding change: c.68C>A on transcript NM_000135.4 (MANE Select); coding-DNA position 68, C replaced by A.
Protein change: p.Ala23Asp; replaces alanine 23 with aspartic acid.
Molecular consequence: missense variant.
Genome position (GRCh38, 1-based): chr16:89,816,548, G>T on the plus strand (C>A on the coding strand, the complement: FANCA is on the minus strand). VCF-style: chr16-89816548-G-T. GRCh37 (hg19) VCF-style: chr16-89882956-G-T.
Other names: c.68C>A, p.Ala23Asp (NM_001018112.3, NM_001286167.3, NM_001351830.2); short protein forms A23D.
Identifiers: ClinVar variation 2057072 (VCV002057072.3), dbSNP rs776297241, ClinGen allele CA397484413.

ClinVar aggregate classification (germline): Uncertain significance. Review status: criteria provided, multiple submitters, no conflicts (2 of 4 stars). 3 submissions from 3 submitters: Uncertain significance (3). Last evaluated 2025-06-10.

Conditions:
Inborn genetic diseases. Identifiers: MedGen C0950123, MeSH D030342.
Fanconi anemia (FA). Also called: Fanconi's anemia. Identifiers: Orphanet 84, MedGen C0015625, MeSH D005199, MONDO:0019391.
Fanconi anemia complementation group A (FANCA). Also called: Fanconi anemia, group A; FANCA-Related Fanconi Anemia. Identifiers: Orphanet 84, MedGen C3469521, MONDO:0009215, OMIM 227650.

Submissions (3):

ARUP Laboratories, Molecular Genetics and Genomics, ARUP Laboratories
Classification: Uncertain significance for Fanconi anemia complementation group A. Last evaluated: 2025-06-10. Review status: criteria provided, single submitter. Criteria: ARUP Molecular Germline Variant Investigation Process 2024. Collection method: clinical testing. Allele origin: germline.
Comment: The FANCA c.68C>A; p.Ala23Asp variant, to our knowledge, is not reported in the medical literature but is reported in ClinVar (Variation ID: 2057072). This variant is also absent from the Genome Aggregation Database (v2.1.1), indicating it is not a common polymorphism. Computational analyses predict that this variant is neutral (REVEL: 0.068). Due to limited information, the clinical significance of this variant is uncertain at this time.

Ambry Genetics
Classification: Uncertain significance for Inborn genetic diseases. Last evaluated: 2024-12-26. Review status: criteria provided, single submitter. Criteria: Ambry Variant Classification Scheme 2023. Collection method: clinical testing. Allele origin: germline.
Comment: The p.A23D variant (also known as c.68C>A), located in coding exon 1 of the FANCA gene, results from a C to A substitution at nucleotide position 68. The alanine at codon 23 is replaced by aspartic acid, an amino acid with dissimilar properties. This amino acid position is conserved. In addition, this alteration is predicted to be tolerated by in silico analysis. Based on the available evidence, the clinical significance of this variant remains unclear.

Labcorp Genetics (formerly Invitae), Labcorp
Classification: Uncertain significance for Fanconi anemia. Last evaluated: 2022-01-03. Review status: criteria provided, single submitter. Criteria: Invitae Variant Classification Sherloc (09022015). Collection method: clinical testing. Allele origin: germline.
Comment: This sequence change replaces alanine, which is neutral and non-polar, with aspartic acid, which is acidic and polar, at codon 23 of the FANCA protein (p.Ala23Asp). This variant is not present in population databases (gnomAD no frequency). This variant has not been reported in the literature in individuals affected with FANCA-related conditions. Advanced modeling of protein sequence and biophysical properties (such as structural, functional, and spatial information, amino acid conservation, physicochemical variation, residue mobility, and thermodynamic stability) performed at Invitae indicates that this missense variant is not expected to disrupt FANCA protein function. In summary, the available evidence is currently insufficient to determine the role of this variant in disease. Therefore, it has been classified as a Variant of Uncertain Significance.